The following is an entry in ClinVar:

ClinVar aggregate classification (germline): Pathogenic/Likely pathogenic. Review status: criteria provided, multiple submitters, no conflicts (2 of 4 stars). 5 submissions from 5 submitters: Pathogenic (1); Likely pathogenic (4). Last evaluated 2025-10-05.

Conditions:
Autosomal dominant SLC4A1-related disorders.
Hereditary spherocytosis type 4. Also called: SLC4A1-Related Spherocytosis. Identifiers: Orphanet 822, MedGen C2675212, MONDO:0012981, OMIM 612653.
BLOOD GROUP--SWANN SYSTEM (SW). Also called: SWANN BLOOD GROUP. Identifiers: MedGen C1832169, OMIM 601550.
BLOOD GROUP, WALDNER (WD). Also called: WALDNER BLOOD GROUP ANTIGEN. Identifiers: MedGen C1862191, OMIM 112010.
Southeast Asian ovalocytosis. Also called: Stomatocytic elliptocytosis, hereditary; Ovalocytosis, Malaysian-Melanesian-Filipino type; Elliptocytosis 4; HE, STOMATOCYTIC. Identifiers: Orphanet 98868, MedGen C1862322, MONDO:0008165, OMIM 166900.
Autosomal dominant distal renal tubular acidosis (DRTA1). Also called: RENAL TUBULAR ACIDOSIS, DISTAL, 1; RTA, CLASSIC TYPE; RTA, DISTAL TYPE, AUTOSOMAL DOMINANT; RTA, GRADIENT TYPE; Renal Tubular Acidosis, Type I. Identifiers: Orphanet 93608, MedGen CN280572, MONDO:0008368, OMIM 179800.
BLOOD GROUP--DIEGO SYSTEM (DI). Identifiers: MedGen C1292286, OMIM 110500.
BLOOD GROUP--WRIGHT ANTIGEN (WR). Identifiers: MedGen C1862190, OMIM 112050.
Malaria, susceptibility to. Identifiers: Orphanet 673, MedGen C1970028, MONDO:0021024, OMIM 611162.
Cryohydrocytosis. Also called: STOMATOCYTOSIS, COLD-SENSITIVE; CRYOHYDROCYTOSIS DUE TO BAND 3 HEMEL; CRYOHYDROCYTOSIS DUE TO BAND 3 HURSTPIERPOINT; CRYOHYDROCYTOSIS DUE TO BAND 3 BLACKBURN; Hereditary cryohydrocytosis with normal stomatin. Identifiers: Orphanet 398088, MedGen C1861453, MONDO:0008494, OMIM 185020.
Renal tubular acidosis, distal, 4, with hemolytic anemia. Also called: Renal Tubular Acidosis, Distal, with Hemolytic Anemia. Identifiers: Orphanet 93610, MedGen C5436235, MONDO:0012700, OMIM 611590.
BLOOD GROUP--FROESE (FR). Also called: FROESE BLOOD GROUP ANTIGEN. Identifiers: MedGen C1832168, OMIM 601551.

Submissions (5):

Labcorp Genetics (formerly Invitae), Labcorp
Classification: Pathogenic. Last evaluated: 2025-10-05. Review status: criteria provided, single submitter. Criteria: Invitae Variant Classification Sherloc (09022015). Collection method: clinical testing. Allele origin: germline.
Comment: This sequence change creates a premature translational stop signal (p.Phe414Leufs*28) in the SLC4A1 gene. It is expected to result in an absent or disrupted protein product. Loss-of-function variants in SLC4A1 are known to be pathogenic (PMID: 8943874, 10926824, 23255290). This variant is not present in population databases (gnomAD no frequency). This variant has not been reported in the literature in individuals affected with SLC4A1-related conditions. ClinVar contains an entry for this variant (Variation ID: 3582115). For these reasons, this variant has been classified as Pathogenic.

Variantyx, Inc.
Classification: Likely pathogenic for Autosomal dominant SLC4A1-related disorders. Last evaluated: 2025-07-31. Review status: criteria provided, single submitter. Criteria: Variantyx Assertion Criteria 2022. Collection method: clinical testing. Allele origin: germline. Inheritance: Autosomal dominant inheritance. Affected: yes.
Comment: This is a frameshift variant in the SLC4A1 gene (OMIM: 109270). Pathogenic variants in this gene have been associated with autosomal dominant SLC4A1-related disorders. This variant introduces a premature termination codon in exon 11 out of 20 and is expected to result in loss of function, which is a known disease mechanism for SLC4A1 in this disorder (PMID: 23255290, 8943874, 10926824) (PVS1). This variant is absent from control populations (PM2). Based on the current evidence, this variant is classified as likely pathogenic for autosomal dominant SLC4A1-related disorders.

ARUP Laboratories, Molecular Genetics and Genomics, ARUP Laboratories
Classification: Likely pathogenic. Last evaluated: 2025-06-05. Review status: criteria provided, single submitter. Criteria: ARUP Molecular Germline Variant Investigation Process 2024. Collection method: clinical testing. Allele origin: germline.
Comment: The SLC4A1 c.1242del; p.Phe414fs variant, to our knowledge, is not reported in the medical literature or gene specific databases. This variant is also absent from general population databases (v2.1.1), indicating it is not a common polymorphism. This variant causes a frameshift by deleting a single nucleotide, so it is predicted to result in a truncated protein or mRNA subject to nonsense-mediated decay. Based on available information, this variant is considered to be likely pathogenic.

Revvity Omics, Revvity
Classification: Likely pathogenic. Last evaluated: 2024-06-18. Review status: criteria provided, single submitter. Criteria: ACMG Guidelines, 2015. Collection method: clinical testing. Allele origin: germline.

Fulgent Genetics
Classification: Likely pathogenic for BLOOD GROUP--DIEGO SYSTEM; BLOOD GROUP, WALDNER; BLOOD GROUP--WRIGHT ANTIGEN; Southeast Asian ovalocytosis; Autosomal dominant distal renal tubular acidosis; Cryohydrocytosis; BLOOD GROUP--SWANN SYSTEM; BLOOD GROUP--FROESE; Malaria, susceptibility to; Renal tubular acidosis, distal, 4, with hemolytic anemia; Hereditary spherocytosis type 4. Last evaluated: 2024-01-10. Review status: criteria provided, single submitter. Criteria: ACMG Guidelines, 2015. Collection method: clinical testing. Allele origin: germline.

Literature cited by the submitters: PubMed 8943874 (cited by Labcorp Genetics (formerly Invitae), Labcorp and Variantyx, Inc.); PubMed 10926824 (cited by Labcorp Genetics (formerly Invitae), Labcorp and Variantyx, Inc.); PubMed 23255290 (cited by Labcorp Genetics (formerly Invitae), Labcorp and Variantyx, Inc.).

NM_000342.4(SLC4A1):c.1242del (p.Phe414fs)

Gene: SLC4A1 (solute carrier family 4 member 1 (Diego blood group); minus strand). Cytogenetic location: 17q21.31.
Variant type: Deletion.
Coding change: c.1242del on transcript NM_000342.4 (MANE Select); coding-DNA position 1242, one base deleted (T; older notation c.1242delT).
Protein change: p.Phe414fs; shifts the reading frame from phenylalanine 414.
Molecular consequence: frameshift variant.
Genome position (GRCh38, 1-based): chr17:44,258,026, A deleted on the plus strand (T on the coding strand, the reverse complement: SLC4A1 is on the minus strand); the first of 3 consecutive A bases (chr17:44,258,026-44,258,028); deleting any one gives the same sequence. VCF-style (leftmost placement, unchanged base first): chr17-44258025-CA-C. GRCh37 (hg19) VCF-style: chr17-42335393-CA-C.
Other names: short protein forms F414fs.
Identifiers: ClinVar variation 3582115 (VCV003582115.6).